The following is an entry in ClinVar:

ClinVar aggregate classification (germline): Pathogenic (1 of 4 stars; one submission).

Conditions:
Deficiency of acetyl-CoA acetyltransferase. Also called: 3-KETOTHIOLASE DEFICIENCY; 3-OXOTHIOLASE DEFICIENCY; MITOCHONDRIAL ACETOACETYL-CoA THIOLASE DEFICIENCY; Beta-ketothiolase deficiency. Identifiers: Orphanet 134, MedGen C1536500, MONDO:0008760, OMIM 203750. Disease mechanism: loss of function.

Submission:

Labcorp Genetics (formerly Invitae), Labcorp
Classification: Pathogenic for Deficiency of acetyl-CoA acetyltransferase. Last evaluated: 2023-05-31. Review status: criteria provided, single submitter. Criteria: Invitae Variant Classification Sherloc (09022015). Collection method: clinical testing. Allele origin: unknown.
Comment: For these reasons, this variant has been classified as Pathogenic. This variant disrupts a region of the ACAT1 protein in which other variant(s) (p.Phe55Ile) have been determined to be pathogenic (PMID: 34001203). This suggests that this is a clinically significant region of the protein, and that variants that disrupt it are likely to be disease-causing. This variant has not been reported in the literature in individuals affected with ACAT1-related conditions. This variant is a gross deletion of the genomic region encompassing exon(s) 2-5 of the ACAT1 gene. This variant would be expected to be in-frame, preserving the integrity of the reading frame.

Literature cited by the submitters: PubMed 34001203.

NC_000011.9:g.(?_108002614)_(108005989_?)del

Gene: ACAT1 (acetyl-CoA acetyltransferase 1; plus strand). Cytogenetic location: 11q22.3.
Variant type: Deletion.
Identifiers: ClinVar variation 3244601 (VCV003244601.1).